The following is an entry in ClinVar:

ClinVar aggregate classification (germline): Likely pathogenic (1 of 4 stars; one submission).

Allele frequency attached by ClinVar (database versions not stated): gnomAD exomes below 0.00001 and 0.00001; ExAC 0.00001.
gnomAD v4.1: 3 of 1,613,674 alleles (0.00019%); highest among the groups gnomAD compares: South Asian, 0.0022%; no homozygotes.

Submission:

Labcorp Genetics (formerly Invitae), Labcorp
Classification: Likely pathogenic. Last evaluated: 2025-09-02. Review status: criteria provided, single submitter. Criteria: Invitae Variant Classification Sherloc (09022015). Collection method: clinical testing. Allele origin: germline.
Comment: This sequence change falls in intron 17 of the CUL7 gene. It does not directly change the encoded amino acid sequence of the CUL7 protein. It affects a nucleotide within the consensus splice site. This variant is present in population databases (rs769345522, gnomAD 0.006%). This variant has been observed in individual(s) with clinical features of CUL7-related conditions (PMID: 37875969; internal data). In at least one individual the data is consistent with being in trans (on the opposite chromosome) from a pathogenic variant. ClinVar contains an entry for this variant (Variation ID: 1045097). Variants that disrupt the consensus splice site are a relatively common cause of aberrant splicing (PMID: 17576681, 9536098). Studies have shown that this variant alters mRNA splicing and is expected to lead to the loss of protein expression (PMID: 32278698). In summary, the currently available evidence indicates that the variant is pathogenic, but additional data are needed to prove that conclusively. Therefore, this variant has been classified as Likely Pathogenic.

Literature cited by the submitters: PubMed 37875969; PubMed 17576681; PubMed 9536098; PubMed 32278698.

NM_014780.5(CUL7):c.3355+5G>A

Gene: CUL7 (cullin 7; minus strand). Cytogenetic location: 6p21.1.
Variant type: single nucleotide variant.
Coding change: c.3355+5G>A on transcript NM_014780.5 (MANE Select); 5 bases into the intron after coding-DNA position 3355, G replaced by A.
Molecular consequence: intron variant.
Genome position (GRCh38, 1-based): chr6:43,043,443, C>T on the plus strand (G>A on the coding strand, the complement: CUL7 is on the minus strand). VCF-style: chr6-43043443-C-T. GRCh37 (hg19) VCF-style: chr6-43011181-C-T.
Other names: c.3451+5G>A (NM_001168370.2, NM_001374872.1); c.3355+5G>A (NM_001374874.1, NM_001374873.1).
Identifiers: ClinVar variation 1045097 (VCV001045097.8), dbSNP rs769345522, ClinGen allele CA3813521.
Genomic context (GRCh38, chr6:43,043,443, plus strand): 5'-TGTACACATGGGGCCCAGGAAAACGCTCCTGACTAGAGCTCCCCACCTGAATCTCCACTA[C>T]TCACTGGGCCGAGGAGTGGCCACCACAGGAGGGGGTGCCTCACAGGGCTCGACATGCACC-3'